The following is an entry in ClinVar:

ClinVar aggregate classification (germline): Likely benign. Review status: reviewed by expert panel (3 of 4 stars). 4 submissions from 4 submitters: Likely benign (1). 3 of the submissions do not count toward it. Last evaluated 2017-06-29.

Conditions:
Hereditary breast ovarian cancer syndrome. Also called: Hereditary breast and ovarian cancer syndrome (HBOC); BRCA1- and BRCA2-Associated Hereditary Breast and Ovarian Cancer; Hereditary breast and/or ovarian cancer syndrome; Hereditary breast and ovarian cancer syndrome; Hereditary breast and ovarian cancer; Breast and ovarian cancer. Identifiers: Orphanet 145, MedGen C0677776, MeSH D061325, MONDO:0003582. Disease mechanism: loss of function.
Hereditary cancer-predisposing syndrome. Also called: Neoplastic Syndromes, Hereditary; Hereditary neoplastic syndrome; Tumor predisposition; Hereditary Cancer Syndrome. Identifiers: Orphanet 140162, MedGen C0027672, MeSH D009386, MONDO:0015356.
Breast-ovarian cancer, familial, susceptibility to, 1 (BROVCA1). Also called: BRCA1 Hereditary Breast and Ovarian Cancer; OVARIAN CANCER, SUSCEPTIBILITY TO. Identifiers: Orphanet 145, MedGen C2676676, MONDO:0011450, OMIM 604370. Disease mechanism: loss of function.

gnomAD v4.1: 1 of 1,613,890 alleles (0.000062%); highest among the groups gnomAD compares: Non-Finnish European, 0.000085%; no homozygotes.

Submissions (4):

Evidence-based Network for the Interpretation of Germline Mutant Alleles (ENIGMA)
Classification: Likely benign for Breast-ovarian cancer, familial, susceptibility to, 1. Last evaluated: 2017-06-29. Review status: reviewed by expert panel. Criteria: ENIGMA BRCA1/2 Classification Criteria (2017-06-29). Collection method: curation. Allele origin: germline.
Comment: Synonymous substitution variant, with low bioinformatic likelihood to result in a splicing aberration (Splicing prior probability 0.02).

Women's Health and Genetics/Laboratory Corporation of America, LabCorp
Classification: Likely benign. Last evaluated: 2026-05-17. Review status: criteria provided, single submitter. Criteria: LabCorp Variant Classification Summary - May 2015. Collection method: clinical testing. Allele origin: germline. Not counted in ClinVar's aggregate classification.

Ambry Genetics
Classification: Likely benign for Hereditary cancer-predisposing syndrome. Last evaluated: 2020-09-30. Review status: criteria provided, single submitter. Criteria: Ambry Variant Classification Scheme 2023. Collection method: clinical testing. Allele origin: germline. Not counted in ClinVar's aggregate classification.

Labcorp Genetics (formerly Invitae), Labcorp
Classification: Likely benign for Hereditary breast ovarian cancer syndrome. Last evaluated: 2020-06-30. Review status: criteria provided, single submitter. Criteria: Invitae Variant Classification Sherloc (09022015). Collection method: clinical testing. Allele origin: germline. Not counted in ClinVar's aggregate classification.

NM_007294.4(BRCA1):c.1968C>T (p.Asn656=)

Gene: BRCA1 (BRCA1 DNA repair associated; minus strand). Cytogenetic location: 17q21.31.
Variant type: single nucleotide variant.
Coding change: c.1968C>T on transcript NM_007294.4 (MANE Select); coding-DNA position 1968, C replaced by T.
Protein change: p.Asn656=; no amino-acid change (asparagine 656 retained).
Molecular consequence: synonymous variant. On other transcripts: intron variant (137).
Genome position (GRCh38, 1-based): chr17:43,093,563, G>A on the plus strand (C>T on the coding strand, the complement: BRCA1 is on the minus strand). VCF-style: chr17-43093563-G-A. GRCh37 (hg19) VCF-style: chr17-41245580-G-A.
Other names: c.1824C>T, p.Asn608= (NM_001407742.1, NM_001407743.1, NM_001407744.1 and 20 more transcripts); c.1827C>T, p.Asn609= (NM_001407750.1, NM_001407751.1, NM_001407752.1 and 29 more transcripts); c.1755C>T, p.Asn585= (NM_001407853.1, NM_001407894.1, NM_001407895.1 and 9 more transcripts); c.1968C>T, p.Asn656= (NM_001407854.1, NM_001407858.1, NM_001407859.1 and 30 more transcripts); c.1965C>T, p.Asn655= (NM_001407860.1, NM_001407861.1, NM_001407587.1 and 22 more transcripts); c.1767C>T, p.Asn589= (NM_001407862.1); c.1845C>T, p.Asn615= (NM_001407863.1, NM_001407919.1, NM_001407937.1 and 19 more transcripts); c.1764C>T, p.Asn588= (NM_001407874.1, NM_001407875.1); and 40 more.
Identifiers: ClinVar variation 427260 (VCV000427260.16), dbSNP rs1131692075, ClinGen allele CA500233162.